The following is an entry in ClinVar:

NM_000168.6(GLI3):c.4510A>T (p.Ile1504Phe)

Gene: GLI3 (GLI family zinc finger 3; minus strand). Cytogenetic location: 7p14.1.
Variant type: single nucleotide variant.
Coding change: c.4510A>T on transcript NM_000168.6 (MANE Select); coding-DNA position 4510, A replaced by T.
Protein change: p.Ile1504Phe; replaces isoleucine 1504 with phenylalanine.
Molecular consequence: missense variant.
Genome position (GRCh38, 1-based): chr7:41,964,563, T>A on the plus strand (A>T on the coding strand, the complement: GLI3 is on the minus strand). VCF-style: chr7-41964563-T-A. GRCh37 (hg19) VCF-style: chr7-42004161-T-A.
Other names: short protein forms I1504F.
Identifiers: ClinVar variation 3756275 (VCV003756275.2).
Genomic context (GRCh38, chr7:41,964,563, plus strand): 5'-TCAGGGCCCCCGACATCAGGCTGGAGTGGTCCCCATCGTCTATGATGGCATCGAAGTCAA[T>A]CTGTACCCCTTCCAGGTCATGGCTGTCGAGGCTGTCCACTGTGCTTGTCACCTGATTAGC-3'
Protein context (NP_000159.3, residues 1494-1514): LDSHDLEGVQ[Ile1504Phe]DFDAIIDDGD

ClinVar aggregate classification (germline): Uncertain significance (1 of 4 stars; one submission).

Conditions:
Pallister-Hall syndrome (PHS). Also called: HYPOTHALAMIC HAMARTOBLASTOMA, HYPOPITUITARISM, IMPERFORATE ANUS, AND POSTAXIAL POLYDACTYLY; GLI3-Related Pallister-Hall Syndrome. Identifiers: Orphanet 672, MedGen C0265220, MONDO:0007804, OMIM 146510.
Greig cephalopolysyndactyly syndrome (GCPS). Also called: GLI3-Related Greig Cephalopolysyndactyly Syndrome; POLYSYNDACTYLY WITH PECULIAR SKULL SHAPE; Greig syndrome. Identifiers: Orphanet 380, MedGen C0265306, MONDO:0008287, OMIM 175700.

gnomAD v4.1: 1 of 1,614,018 alleles (0.000062%); highest among the groups gnomAD compares: Non-Finnish European, 0.000085%; no homozygotes.

Submission:

Labcorp Genetics (formerly Invitae), Labcorp
Classification: Uncertain significance for Pallister-Hall syndrome; Greig cephalopolysyndactyly syndrome. Last evaluated: 2024-05-09. Review status: criteria provided, single submitter. Criteria: Invitae Variant Classification Sherloc (09022015). Collection method: clinical testing. Allele origin: germline.
Comment: This sequence change replaces isoleucine, which is neutral and non-polar, with phenylalanine, which is neutral and non-polar, at codon 1504 of the GLI3 protein (p.Ile1504Phe). This variant is not present in population databases (gnomAD no frequency). This variant has not been reported in the literature in individuals affected with GLI3-related conditions. Advanced modeling of protein sequence and biophysical properties (such as structural, functional, and spatial information, amino acid conservation, physicochemical variation, residue mobility, and thermodynamic stability) performed at Invitae indicates that this missense variant is expected to disrupt GLI3 protein function with a positive predictive value of 80%. In summary, the available evidence is currently insufficient to determine the role of this variant in disease. Therefore, it has been classified as a Variant of Uncertain Significance.